The following is an entry in ClinVar:

ClinVar aggregate classification (germline): Conflicting classifications of pathogenicity. Review status: criteria provided, conflicting classifications (1 of 4 stars). 3 submissions from 3 submitters: Uncertain significance (2); Likely benign (1). Last evaluated 2024-10-27.

Allele frequency attached by ClinVar (database versions not stated): ExAC 0.00001; gnomAD 0.00001; TOPMed 0.00001; gnomAD exomes 0.00002.
gnomAD v4.1: 15 of 1,614,038 alleles (0.00093%); highest among the groups gnomAD compares: Non-Finnish European, 0.0012%; no homozygotes.

Submissions (3):

Labcorp Genetics (formerly Invitae), Labcorp
Classification: Uncertain significance. Last evaluated: 2024-10-27. Review status: criteria provided, single submitter. Criteria: Invitae Variant Classification Sherloc (09022015). Collection method: clinical testing. Allele origin: germline.
Comment: This sequence change replaces aspartic acid, which is acidic and polar, with asparagine, which is neutral and polar, at codon 21 of the RINT1 protein (p.Asp21Asn). This variant is present in population databases (rs758536777, gnomAD 0.003%). This variant has not been reported in the literature in individuals affected with RINT1-related conditions. ClinVar contains an entry for this variant (Variation ID: 410780). An algorithm developed to predict the effect of missense changes on protein structure and function (PolyPhen-2) suggests that this variant is likely to be tolerated. In summary, the available evidence is currently insufficient to determine the role of this variant in disease. Therefore, it has been classified as a Variant of Uncertain Significance.

Ambry Genetics
Classification: Likely benign. Last evaluated: 2024-03-29. Review status: criteria provided, single submitter. Criteria: Ambry Variant Classification Scheme 2023. Collection method: clinical testing. Allele origin: germline.

Institute for Clinical Genetics, University Hospital TU Dresden, University Hospital TU Dresden
Classification: Uncertain significance. Last evaluated: 2021-11-03. Review status: criteria provided, single submitter. Criteria: ACMG Guidelines, 2015. Collection method: clinical testing. Allele origin: germline.

NM_021930.6(RINT1):c.61G>A (p.Asp21Asn)

Gene: RINT1 (RAD50 interactor 1; plus strand). Cytogenetic location: 7q22.3.
Variant type: single nucleotide variant.
Coding change: c.61G>A on transcript NM_021930.6 (MANE Select); coding-DNA position 61, G replaced by A.
Protein change: p.Asp21Asn; replaces aspartic acid 21 with asparagine.
Molecular consequence: missense variant. On other transcripts: 5 prime UTR variant (4), non-coding transcript variant (1).
Genome position (GRCh38, 1-based): chr7:105,532,842, G>A. VCF-style: chr7-105532842-G-A. GRCh37 (hg19) VCF-style: chr7-105173289-G-A.
Other names: c.-37G>A (NM_001346599.2); c.-959G>A (NM_001346600.2); c.-862G>A (NM_001346601.2); c.-482G>A (NM_001346603.2); short protein forms D21N.
Identifiers: ClinVar variation 410780 (VCV000410780.16), dbSNP rs758536777, ClinGen allele CA4426332.